The following is an entry in ClinVar:

ClinVar aggregate classification (germline): Likely benign. Review status: criteria provided, multiple submitters, no conflicts (2 of 4 stars). 2 submissions from 2 submitters: Likely benign (2). Last evaluated 2025-12-22.

Conditions:
Generalized epilepsy with febrile seizures plus, type 7 (GEFSP7). Also called: GEFS+, TYPE 7. Identifiers: Orphanet 36387, MedGen C2751778, MONDO:0013470, OMIM 613863.
Neuropathy, hereditary sensory and autonomic, type 2A (HSAN2A). Also called: HSAN IIA; NEUROPATHY, CONGENITAL SENSORY; NEUROPATHY, HEREDITARY SENSORY RADICULAR, AUTOSOMAL RECESSIVE; NEUROPATHY, HEREDITARY SENSORY, TYPE IIA; NEUROPATHY, PROGRESSIVE SENSORY, OF CHILDREN; WNK1-Related HSAN2 (HSAN2A). Identifiers: Orphanet 970, MedGen C2752089, MONDO:0024309, OMIM 201300.

Allele frequency attached by ClinVar (database versions not stated): gnomAD 0.00002.
gnomAD v4.1: 4 of 1,592,374 alleles (0.00025%); highest among the groups gnomAD compares: African/African-American, 0.0054%; no homozygotes.

Submissions (2):

Labcorp Genetics (formerly Invitae), Labcorp
Classification: Likely benign for Neuropathy, hereditary sensory and autonomic, type 2A; Generalized epilepsy with febrile seizures plus, type 7. Last evaluated: 2025-12-22. Review status: criteria provided, single submitter. Criteria: Invitae Variant Classification Sherloc (09022015). Collection method: clinical testing. Allele origin: germline.

GeneDx
Classification: Likely benign. Last evaluated: 2017-03-31. Review status: criteria provided, single submitter. Criteria: GeneDx Variant Classification (06012015). Collection method: clinical testing. Allele origin: germline. Affected: yes.
Comment: This variant is considered likely benign or benign based on one or more of the following criteria: it is a conservative change, it occurs at a poorly conserved position in the protein, it is predicted to be benign by multiple in silico algorithms, and/or has population frequency not consistent with disease.

NM_001365536.1(SCN9A):c.1602+15G>T

Genes: SCN1A-AS1 (SCN1A and SCN9A antisense RNA 1; plus strand), SCN9A (sodium voltage-gated channel alpha subunit 9; minus strand). Cytogenetic location: 2q24.3.
Variant type: single nucleotide variant.
Coding change: c.1602+15G>T on transcript NM_001365536.1 (MANE Select); 15 bases into the intron after coding-DNA position 1602, G replaced by T.
Molecular consequence: intron variant.
Genome position (GRCh38, 1-based): chr2:166,286,321, C>A on the plus strand (G>T on the coding strand, the complement: SCN9A is on the minus strand). VCF-style: chr2-166286321-C-A. GRCh37 (hg19) VCF-style: chr2-167142831-C-A.
Other names: c.1602+15G>T (NM_002977.4).
Identifiers: ClinVar variation 508518 (VCV000508518.6), dbSNP rs201987507, ClinGen allele CA658795951.